The following is an entry in ClinVar:

NM_000051.4(ATM):c.4501G>A (p.Val1501Ile)

Gene: ATM (ATM serine/threonine kinase; plus strand). Cytogenetic location: 11q22.3.
Variant type: single nucleotide variant.
Coding change: c.4501G>A on transcript NM_000051.4 (MANE Select); coding-DNA position 4501, G replaced by A.
Protein change: p.Val1501Ile; replaces valine 1501 with isoleucine.
Molecular consequence: missense variant.
Genome position (GRCh38, 1-based): chr11:108,292,683, G>A. VCF-style: chr11-108292683-G-A. GRCh37 (hg19) VCF-style: chr11-108163410-G-A.
Other names: c.4501G>A, p.Val1501Ile (NM_001351834.2); short protein forms V1501I.
Identifiers: ClinVar variation 568397 (VCV000568397.13), dbSNP rs370574283, ClinGen allele CA6265486.
Genomic context (GRCh38, chr11:108,292,683, plus strand): 5'-TCTTGTATCATGGATGTGTCATTACGTAGCTTCTCCCTTTGTTGTGACTTATTAAGTCAG[G>A]TTTGCCAGACAGCCGTGACTTACTGTAAGGATGCTCTAGAAAACCATCTTCATGTTATTG-3'
Protein context (NP_000042.3, residues 1491-1511): FSLCCDLLSQ[Val1501Ile]CQTAVTYCKD

ClinVar aggregate classification (germline): Conflicting classifications of pathogenicity. Review status: criteria provided, conflicting classifications (1 of 4 stars). 4 submissions from 4 submitters: Uncertain significance (2); Likely benign (1). 1 of the submissions does not count toward it. Last evaluated 2025-12-03.

Conditions:
Ataxia-telangiectasia syndrome (AT). Also called: Ataxia telangiectasia (A-T); Ataxia-telangiectasia, complementation group D; AT, COMPLEMENTATION GROUP C; ATAXIA-TELANGIECTASIA, COMPLEMENTATION GROUP A; Ataxia-telangiectasia, complementation group E; ATAXIA-TELANGIECTASIA, FRESNO VARIANT. Identifiers: Orphanet 100, MedGen C0004135, MONDO:0008840, OMIM 208900.
Hereditary cancer-predisposing syndrome. Also called: Neoplastic Syndromes, Hereditary; Tumor predisposition; Hereditary Cancer Syndrome; Hereditary neoplastic syndrome. Identifiers: Orphanet 140162, MedGen C0027672, MeSH D009386, MONDO:0015356.

Allele frequency attached by ClinVar (database versions not stated): gnomAD 0.00001; TOPMed 0.00001; ESP Exome Variant Server 0.00008.
gnomAD v4.1: 2 of 1,613,638 alleles (0.00012%); highest among the groups gnomAD compares: Non-Finnish European, 0.000085%; no homozygotes.

Submissions (4):

Labcorp Genetics (formerly Invitae), Labcorp
Classification: Uncertain significance for Ataxia-telangiectasia syndrome. Last evaluated: 2025-12-03. Review status: criteria provided, single submitter. Criteria: Invitae Variant Classification Sherloc (09022015). Collection method: clinical testing. Allele origin: germline.
Comment: This sequence change replaces valine, which is neutral and non-polar, with isoleucine, which is neutral and non-polar, at codon 1501 of the ATM protein (p.Val1501Ile). This variant is present in population databases (rs370574283, gnomAD 0.0009%). This variant has not been reported in the literature in individuals affected with ATM-related conditions. ClinVar contains an entry for this variant (Variation ID: 568397). Invitae Evidence Modeling of protein sequence and biophysical properties (such as structural, functional, and spatial information, amino acid conservation, physicochemical variation, residue mobility, and thermodynamic stability) indicates that this missense variant is not expected to disrupt ATM protein function with a negative predictive value of 95%. In summary, the available evidence is currently insufficient to determine the role of this variant in disease. Therefore, it has been classified as a Variant of Uncertain Significance.

Ambry Genetics
Classification: Likely benign for Hereditary cancer-predisposing syndrome. Last evaluated: 2025-07-22. Review status: criteria provided, single submitter. Criteria: Ambry Variant Classification Scheme 2023. Collection method: clinical testing. Allele origin: germline.

Color Diagnostics, LLC DBA Color Health
Classification: Uncertain significance for Hereditary cancer-predisposing syndrome. Last evaluated: 2025-03-31. Review status: criteria provided, single submitter. Criteria: ACMG Guidelines, 2015. Collection method: clinical testing. Allele origin: germline.
Comment: This missense variant replaces valine with isoleucine at codon 1501 of the ATM protein. Computational prediction suggests that this variant may not impact protein structure and function. To our knowledge, functional studies have not been reported for this variant. This variant has not been reported in individuals affected with ATM-related disorders in the literature. This variant has been identified in 1/251338 chromosomes in the general population by the Genome Aggregation Database (gnomAD). The available evidence is insufficient to determine the role of this variant in disease conclusively. Therefore, this variant is classified as a Variant of Uncertain Significance.

Natera, Inc.
Classification: Uncertain significance for Ataxia-telangiectasia. Last evaluated: 2020-12-16. Review status: no assertion criteria provided. Collection method: clinical testing. Allele origin: germline. Not counted in ClinVar's aggregate classification.